The following is an entry in ClinVar:

ClinVar aggregate classification (germline): Uncertain significance (1 of 4 stars; one submission).

Conditions:
Hereditary nonpolyposis colorectal neoplasms. Identifiers: MedGen C0009405, MeSH D003123.

Submission:

Labcorp Genetics (formerly Invitae), Labcorp
Classification: Uncertain significance for Hereditary nonpolyposis colorectal neoplasms. Last evaluated: 2022-06-30. Review status: criteria provided, single submitter. Criteria: Invitae Variant Classification Sherloc (09022015). Collection method: clinical testing. Allele origin: germline.
Comment: Advanced modeling of protein sequence and biophysical properties (such as structural, functional, and spatial information, amino acid conservation, physicochemical variation, residue mobility, and thermodynamic stability) performed at Invitae indicates that this missense variant is not expected to disrupt PMS2 protein function. This variant has not been reported in the literature in individuals affected with PMS2-related conditions. This variant is not present in population databases (gnomAD no frequency). This sequence change replaces proline, which is neutral and non-polar, with serine, which is neutral and polar, at codon 221 of the PMS2 protein (p.Pro221Ser). In summary, the available evidence is currently insufficient to determine the role of this variant in disease. Therefore, it has been classified as a Variant of Uncertain Significance.

NM_000535.7(PMS2):c.661C>T (p.Pro221Ser)

Gene: PMS2 (PMS1 homolog 2, mismatch repair system component; minus strand). Cytogenetic location: 7p22.1.
Variant type: single nucleotide variant.
Coding change: c.661C>T on transcript NM_000535.7 (MANE Select); coding-DNA position 661, C replaced by T.
Protein change: p.Pro221Ser; replaces proline 221 with serine.
Molecular consequence: missense variant. On other transcripts: 5 prime UTR variant (2), non-coding transcript variant (1), intron variant (1).
Genome position (GRCh38, 1-based): chr7:5,999,152, G>A on the plus strand (C>T on the coding strand, the complement: PMS2 is on the minus strand). VCF-style: chr7-5999152-G-A. GRCh37 (hg19) VCF-style: chr7-6038783-G-A.
Other names: c.256C>T, p.Pro86Ser (NM_001018040.1, NM_001322003.2, NM_001322004.2 and 20 more transcripts); c.661C>T, p.Pro221Ser (NM_001322006.2, NM_001322014.2, NM_001406870.1 and 4 more transcripts); c.343C>T, p.Pro115Ser (NM_001322007.2, NM_001322008.2, NM_001406876.1 and 4 more transcripts); c.-273C>T (NM_001322011.2, NM_001322012.2); c.352C>T, p.Pro118Ser (NM_001322015.2, NM_001406875.1, NM_001406877.1 and 6 more transcripts); c.847C>T, p.Pro283Ser (NM_001406866.1); c.685C>T, p.Pro229Ser (NM_001406868.1); c.325C>T, p.Pro109Ser (NM_001406885.1); and 1 more; short protein forms P109S, P86S, P221S, P283S, P115S, P118S, P229S.
Identifiers: ClinVar variation 2012385 (VCV002012385.4), dbSNP rs2128799949, ClinGen allele CA366743897.